The following is an entry in ClinVar:

NM_182493.3(MYLK3):c.837G>T (p.Glu279Asp)

Gene: MYLK3 (myosin light chain kinase 3; minus strand). Cytogenetic location: 16q11.2.
Variant type: single nucleotide variant.
Coding change: c.837G>T on transcript NM_182493.3 (MANE Select); coding-DNA position 837, G replaced by T.
Protein change: p.Glu279Asp; replaces glutamic acid 279 with aspartic acid.
Molecular consequence: missense variant. On other transcripts: intron variant (1).
Genome position (GRCh38, 1-based): chr16:46,737,875, C>A on the plus strand (G>T on the coding strand, the complement: MYLK3 is on the minus strand). VCF-style: chr16-46737875-C-A. GRCh37 (hg19) VCF-style: chr16-46771787-C-A.
Other names: c.-23+2182G>T (NM_001308301.1); short protein forms E279D.
Identifiers: ClinVar variation 1350748 (VCV001350748.8), dbSNP rs771402706, ClinGen allele CA8038134.
Genomic context (GRCh38, chr16:46,737,875, plus strand): 5'-CTCTAAGGGCTCAGGGTCAGGCCTGCTGGACGATGCTCCTTGTCCTGCACCTGGTGCAAC[C>A]TCCAGGCTCGGGGAGACCACATTGACCCTGCCGGGTGCTGGAGCCAATTCCAGGCCAGTC-3'
Protein context (NP_872299.2, residues 269-289): GRVNVVSPSL[Glu279Asp]VAPGAGQGAS

ClinVar aggregate classification (germline): Uncertain significance (1 of 4 stars; one submission).

Allele frequency attached by ClinVar (database versions not stated): ExAC 0.00001; gnomAD exomes 0.00001.
gnomAD v4.1: 4 of 1,614,160 alleles (0.00025%); highest among the groups gnomAD compares: South Asian, 0.0044%; no homozygotes.

Submission:

Labcorp Genetics (formerly Invitae), Labcorp
Classification: Uncertain significance. Last evaluated: 2022-07-18. Review status: criteria provided, single submitter. Criteria: Invitae Variant Classification Sherloc (09022015). Collection method: clinical testing. Allele origin: germline.
Comment: This sequence change replaces glutamic acid, which is acidic and polar, with aspartic acid, which is acidic and polar, at codon 279 of the MYLK3 protein (p.Glu279Asp). This variant is present in population databases (rs771402706, gnomAD 0.006%). This variant has not been reported in the literature in individuals affected with MYLK3-related conditions. ClinVar contains an entry for this variant (Variation ID: 1350748). Algorithms developed to predict the effect of missense changes on protein structure and function (SIFT, PolyPhen-2, Align-GVGD) all suggest that this variant is likely to be tolerated. In summary, the available evidence is currently insufficient to determine the role of this variant in disease. Therefore, it has been classified as a Variant of Uncertain Significance.